The following is an entry in ClinVar:

ClinVar aggregate classification (germline): Uncertain significance (1 of 4 stars; one submission).

gnomAD v4.1: 24 of 1,614,206 alleles (0.0015%); highest among the groups gnomAD compares: Non-Finnish European, 0.0015%; no homozygotes.

Submission:

Labcorp Genetics (formerly Invitae), Labcorp
Classification: Uncertain significance. Last evaluated: 2025-08-18. Review status: criteria provided, single submitter. Criteria: Invitae Variant Classification Sherloc (09022015). Collection method: clinical testing. Allele origin: germline.
Comment: This sequence change replaces methionine, which is neutral and non-polar, with valine, which is neutral and non-polar, at codon 69 of the KLHL9 protein (p.Met69Val). This variant is present in population databases (rs202108141, gnomAD 0.004%). This variant has not been reported in the literature in individuals affected with KLHL9-related conditions. ClinVar contains an entry for this variant (Variation ID: 3611821). Invitae Evidence Modeling of protein sequence and biophysical properties (such as structural, functional, and spatial information, amino acid conservation, physicochemical variation, residue mobility, and thermodynamic stability) indicates that this missense variant is not expected to disrupt KLHL9 protein function with a negative predictive value of 80%. In summary, the available evidence is currently insufficient to determine the role of this variant in disease. Therefore, it has been classified as a Variant of Uncertain Significance.

NM_018847.4(KLHL9):c.205A>G (p.Met69Val)

Gene: KLHL9 (kelch like family member 9; minus strand). Cytogenetic location: 9p21.3.
Variant type: single nucleotide variant.
Coding change: c.205A>G on transcript NM_018847.4 (MANE Select); coding-DNA position 205, A replaced by G.
Protein change: p.Met69Val; replaces methionine 69 with valine.
Molecular consequence: missense variant.
Genome position (GRCh38, 1-based): chr9:21,334,655, T>C on the plus strand (A>G on the coding strand, the complement: KLHL9 is on the minus strand). VCF-style: chr9-21334655-T-C. GRCh37 (hg19) VCF-style: chr9-21334654-T-C.
Other names: short protein forms M69V.
Identifiers: ClinVar variation 3611821 (VCV003611821.2).